The following is an entry in ClinVar:

ClinVar aggregate classification (germline): Conflicting classifications of pathogenicity. Review status: criteria provided, conflicting classifications (1 of 4 stars). 3 submissions from 3 submitters: Uncertain significance (1); Likely benign (2). Last evaluated 2026-02-04.

Conditions:
ATP8B1-related disorder. Also called: ATP8B1-related condition; ATP8B1-related disorders.

Allele frequency attached by ClinVar (database versions not stated): TOPMed 0.00003; gnomAD exomes 0.00004; ExAC 0.00006; gnomAD 0.00008 and 0.00009.
gnomAD v4.1: 54 of 1,613,972 alleles (0.0033%); highest among the groups gnomAD compares: Non-Finnish European, 0.0044%; no homozygotes.

Submissions (3):

Labcorp Genetics (formerly Invitae), Labcorp
Classification: Likely benign. Last evaluated: 2026-02-04. Review status: criteria provided, single submitter. Criteria: Invitae Variant Classification Sherloc (09022015). Collection method: clinical testing. Allele origin: germline.

PreventionGenetics, part of Exact Sciences
Classification: Likely benign for ATP8B1-related condition. Last evaluated: 2025-06-26. Review status: criteria provided, single submitter. Criteria: ACMG Guidelines, 2015. Collection method: clinical testing. Allele origin: germline.
Comment: This variant is classified as likely benign based on ACMG/AMP sequence variant interpretation guidelines (Richards et al. 2015 PMID: 25741868, with internal and published modifications).

Eurofins Ntd Llc (ga)
Classification: Uncertain significance. Last evaluated: 2016-09-22. Review status: criteria provided, single submitter. Criteria: EGL Classification Definitions 2015. Collection method: clinical testing. Allele origin: germline. Observed: 1 variant allele, 1 heterozygote.

NM_001374385.1(ATP8B1):c.903G>A (p.Arg301=)

Gene: ATP8B1 (ATPase phospholipid transporting 8B1; minus strand). Cytogenetic location: 18q21.31.
Variant type: single nucleotide variant.
Coding change: c.903G>A on transcript NM_001374385.1 (MANE Select); coding-DNA position 903, G replaced by A.
Protein change: p.Arg301=; no amino-acid change (arginine 301 retained).
Molecular consequence: synonymous variant.
Genome position (GRCh38, 1-based): chr18:57,695,208, C>T on the plus strand (G>A on the coding strand, the complement: ATP8B1 is on the minus strand). VCF-style: chr18-57695208-C-T. GRCh37 (hg19) VCF-style: chr18-55362440-C-T.
Other names: c.753G>A, p.Arg251= (NM_001374386.1); c.903G>A, p.Arg301= (NM_005603.6).
Identifiers: ClinVar variation 291263 (VCV000291263.14), dbSNP rs762363452, ClinGen allele CA8974706.
Genomic context (GRCh38, chr18:57,695,208, plus strand): 5'-TTCCCAAGAAACTCTGAACGTACCTGCAAAAATGACTAAGCCGTGGCAGAAATCGGTGTT[C>T]CTAATTACACAGCCACGTAACAAAATTTTATCAGCATCCAAAGGAAAACTTGTGTTTCTC-3'
Protein context (NP_001361314.1, residues 291-311): DKILLRGCVI[Arg301=]NTDFCHGLVI